The following is an entry in ClinVar:

ClinVar aggregate classification (germline): Benign/Likely benign. Review status: criteria provided, multiple submitters, no conflicts (2 of 4 stars). 5 submissions from 5 submitters: Benign (2); Likely benign (3). Last evaluated 2026-08-01.

Conditions:
Familial cold autoinflammatory syndrome 3 (FCAS3). Also called: ANTIBODY DEFICIENCY AND IMMUNE DYSREGULATION, PLCG2-ASSOCIATED; FAMILIAL ATYPICAL COLD URTICARIA. Identifiers: Orphanet 300359, MedGen C3280914, MONDO:0013766, OMIM 614468.

Allele frequency attached by ClinVar (database versions not stated): gnomAD exomes 0.00019 and 0.00047; ExAC 0.00050; ESP Exome Variant Server 0.00115; gnomAD 0.00142 and 0.00148; TOPMed 0.00151; 1000 Genomes Project 0.00220; 1000 Genomes Project 30x 0.00234.

Submissions (5):

CeGaT Center for Human Genetics Tuebingen
Classification: Likely benign. Last evaluated: 2026-08-01. Review status: criteria provided, single submitter. Criteria: CeGaT Center For Human Genetics Tuebingen Variant Classification Criteria Version 2. Collection method: clinical testing. Allele origin: germline. Affected: yes. Observed: 1 variant allele.
Comment: PLCG2: BP4, BS1

Labcorp Genetics (formerly Invitae), Labcorp
Classification: Benign for Familial cold autoinflammatory syndrome 3. Last evaluated: 2026-01-28. Review status: criteria provided, single submitter. Criteria: Invitae Variant Classification Sherloc (09022015). Collection method: clinical testing. Allele origin: germline.

Mayo Clinic Laboratories, Mayo Clinic
Classification: Likely benign. Last evaluated: 2025-02-24. Review status: criteria provided, single submitter. Criteria: ACMG Guidelines, 2015. Collection method: clinical testing. Allele origin: germline. Observed: 3 variant alleles.
Comment: BS1, BP4_moderate

Blueprint Genetics
Classification: Likely benign. Last evaluated: 2024-11-25. Review status: criteria provided, single submitter. Criteria: ACMG Guidelines, 2015. Collection method: clinical testing. Allele origin: germline.

Breakthrough Genomics
Classification: Benign. Review status: criteria provided, single submitter. Criteria: ACMG Guidelines, 2015. Collection method: not provided. Allele origin: germline. Inheritance: Autosomal dominant inheritance. Affected: yes.

NM_002661.5(PLCG2):c.2837A>G (p.Asn946Ser)

Gene: PLCG2 (phospholipase C gamma 2; plus strand). Cytogenetic location: 16q23.3.
Variant type: single nucleotide variant.
Coding change: c.2837A>G on transcript NM_002661.5 (MANE Select); coding-DNA position 2837, A replaced by G.
Protein change: p.Asn946Ser; replaces asparagine 946 with serine.
Molecular consequence: missense variant.
Genome position (GRCh38, 1-based): chr16:81,934,526, A>G. VCF-style: chr16-81934526-A-G. GRCh37 (hg19) VCF-style: chr16-81968131-A-G.
Other names: p.Asn946Ser; short protein forms N946S.
Identifiers: ClinVar variation 733054 (VCV000733054.15), dbSNP rs139462941, ClinGen allele CA8194439.